The following is an entry in ClinVar:

ClinVar aggregate classification (germline): Likely benign. Review status: criteria provided, multiple submitters, no conflicts (2 of 4 stars). 2 submissions from 2 submitters: Likely benign (2). Last evaluated 2024-08-13.

Conditions:
Myofibrillar myopathy 5. Also called: Filaminopathy (type); FILAMINOPATHY, AUTOSOMAL DOMINANT. Identifiers: Orphanet 171445, MedGen C1836050, MONDO:0012289, OMIM 609524.
Distal myopathy with posterior leg and anterior hand involvement. Also called: WILLIAMS DISTAL MYOPATHY. Identifiers: Orphanet 63273, MedGen C3279722, MONDO:0013550, OMIM 614065.
Hypertrophic cardiomyopathy 26. Also called: Cardiomyopathy, familial hypertrophic, 26. Identifiers: Orphanet 75249, MedGen C4310749, MONDO:0014883, OMIM 617047.

Submissions (2):

Labcorp Genetics (formerly Invitae), Labcorp
Classification: Likely benign for Distal myopathy with posterior leg and anterior hand involvement; Myofibrillar myopathy 5; Hypertrophic cardiomyopathy 26. Last evaluated: 2024-08-13. Review status: criteria provided, single submitter. Criteria: Invitae Variant Classification Sherloc (09022015). Collection method: clinical testing. Allele origin: germline.

GeneDx
Classification: Likely benign. Last evaluated: 2017-03-31. Review status: criteria provided, single submitter. Criteria: GeneDx Variant Classification (06012015). Collection method: clinical testing. Allele origin: germline. Affected: yes.
Comment: This variant is considered likely benign or benign based on one or more of the following criteria: it is a conservative change, it occurs at a poorly conserved position in the protein, it is predicted to be benign by multiple in silico algorithms, and/or has population frequency not consistent with disease.

NM_001458.5(FLNC):c.7990+20C>T

Genes: FLNC (filamin C; plus strand), FLNC-AS1 (FLNC antisense RNA 1; minus strand). Cytogenetic location: 7q32.1.
Variant type: single nucleotide variant.
Coding change: c.7990+20C>T on transcript NM_001458.5 (MANE Select); 20 bases into the intron after coding-DNA position 7990, C replaced by T.
Molecular consequence: intron variant.
Genome position (GRCh38, 1-based): chr7:128,858,237, C>T. VCF-style: chr7-128858237-C-T. GRCh37 (hg19) VCF-style: chr7-128498291-C-T.
Other names: c.7891+20C>T (NM_001127487.2).
Identifiers: ClinVar variation 506569 (VCV000506569.9), dbSNP rs1554402030, ClinGen allele CA658797009.